The following is an entry in ClinVar:

NM_001042492.3(NF1):c.4220G>A (p.Ser1407Asn)

Gene: NF1 (neurofibromin 1; plus strand). Cytogenetic location: 17q11.2.
Variant type: single nucleotide variant.
Coding change: c.4220G>A on transcript NM_001042492.3 (MANE Select); coding-DNA position 4220, G replaced by A.
Protein change: p.Ser1407Asn; replaces serine 1407 with asparagine.
Molecular consequence: missense variant.
Genome position (GRCh38, 1-based): chr17:31,258,390, G>A. VCF-style: chr17-31258390-G-A. GRCh37 (hg19) VCF-style: chr17-29585408-G-A.
Other names: c.4157G>A, p.Ser1386Asn (NM_000267.4); short protein forms S1386N, S1407N.
Identifiers: ClinVar variation 934258 (VCV000934258.8), dbSNP rs2067621332, ClinGen allele CA398997750.
Genomic context (GRCh38, chr17:31,258,390, plus strand): 5'-CTCCTTGTTTTTAGGTGGTTAGCCAGCGTTTCCCTCAGAACAGCATCGGTGCAGTAGGAA[G>A]TGCCATGTTCCTCAGATTTATCAATCCTGCCATTGTCTCACCGTATGAAGCAGGGATTTT-3'
Protein context (NP_001035957.1, residues 1397-1417): FPQNSIGAVG[Ser1407Asn]AMFLRFINPA

ClinVar aggregate classification (germline): Uncertain significance. Review status: criteria provided, multiple submitters, no conflicts (2 of 4 stars). 3 submissions from 3 submitters: Uncertain significance (3). Last evaluated 2026-05-13.

Conditions:
Cardiovascular phenotype. Identifiers: MedGen CN230736.
Hereditary cancer-predisposing syndrome. Also called: Hereditary Cancer Syndrome; Neoplastic Syndromes, Hereditary; Tumor predisposition; Hereditary neoplastic syndrome. Identifiers: Orphanet 140162, MedGen C0027672, MeSH D009386, MONDO:0015356.
Neurofibromatosis, type 1 (NF1). Also called: Peripheral type neurofibromatosis; VON RECKLINGHAUSEN DISEASE; Neurofibromatosis, type I; NEUROFIBROMATOSIS, TYPE I, SOMATIC. Identifiers: Orphanet 636, MedGen C0027831, MONDO:0018975, OMIM 162200. Disease mechanism: loss of function.

Allele frequency attached by ClinVar (database versions not stated): TOPMed below 0.00001; gnomAD 0.00001.
gnomAD v4.1: 1 of 1,613,828 alleles (0.000062%); highest among the groups gnomAD compares: Non-Finnish European, 0.000085%; no homozygotes.

Submissions (3):

Ambry Genetics
Classification: Uncertain significance for Cardiovascular phenotype; Hereditary cancer-predisposing syndrome. Last evaluated: 2026-05-13. Review status: criteria provided, single submitter. Criteria: Ambry Variant Classification Scheme 2023. Collection method: clinical testing. Allele origin: germline.
Comment: The p.S1386N variant (also known as c.4157G>A), located in coding exon 31 of the NF1 gene, results from a G to A substitution at nucleotide position 4157. The serine at codon 1386 is replaced by asparagine, an amino acid with highly similar properties. This amino acid position is highly conserved in available vertebrate species. In addition, the in silico prediction for this alteration is inconclusive. Based on the available evidence, the clinical significance of this variant remains unclear.

Labcorp Genetics (formerly Invitae), Labcorp
Classification: Uncertain significance for Neurofibromatosis, type 1. Last evaluated: 2025-07-31. Review status: criteria provided, single submitter. Criteria: Invitae Variant Classification Sherloc (09022015). Collection method: clinical testing. Allele origin: germline.
Comment: This sequence change replaces serine, which is neutral and polar, with asparagine, which is neutral and polar, at codon 1386 of the NF1 protein (p.Ser1386Asn). This variant is not present in population databases (gnomAD no frequency). This variant has not been reported in the literature in individuals affected with NF1-related conditions. ClinVar contains an entry for this variant (Variation ID: 934258). Invitae Evidence Modeling of protein sequence and biophysical properties (such as structural, functional, and spatial information, amino acid conservation, physicochemical variation, residue mobility, and thermodynamic stability) indicates that this missense variant is expected to disrupt NF1 protein function with a positive predictive value of 95%. In summary, the available evidence is currently insufficient to determine the role of this variant in disease. Therefore, it has been classified as a Variant of Uncertain Significance.

Illumina Laboratory Services, Illumina
Classification: Uncertain significance for Neurofibromatosis, type 1. Last evaluated: 2023-05-31. Review status: criteria provided, single submitter. Criteria: ICSLVariantClassificationCriteria RUGD 01 April 2020. Collection method: clinical testing. Allele origin: unknown.
Comment: The NF1 c.4220G>A (p.Ser1407Asn) missense variant has not, to our knowledge, been reported in the peer-reviewed literature. This variant is reported in the Genome Aggregation Database in one allele at a frequency of 0.0000147 in the European (non-Finnish) population (version 3.1.2). Based on the available evidence, the c.4220G>A (p.Ser1407Asn) variant is classified as a variant of uncertain significance for neurofibromatosis, type 1.